The following is an entry in ClinVar:

NM_001127208.3(TET2):c.1128G>A (p.Met376Ile)

Genes: TET2 (tet methylcytosine dioxygenase 2; plus strand), TET2-AS1 (TET2 antisense RNA 1; minus strand). Cytogenetic location: 4q24.
Variant type: single nucleotide variant.
Coding change: c.1128G>A on transcript NM_001127208.3 (MANE Select); coding-DNA position 1128, G replaced by A.
Protein change: p.Met376Ile; replaces methionine 376 with isoleucine.
Molecular consequence: missense variant.
Genome position (GRCh38, 1-based): chr4:105,235,070, G>A. VCF-style: chr4-105235070-G-A. GRCh37 (hg19) VCF-style: chr4-106156227-G-A.
Other names: c.1128G>A, p.Met376Ile (NM_017628.4); short protein forms M376I.
Identifiers: ClinVar variation 3967491 (VCV003967491.1).

ClinVar aggregate classification (germline): Uncertain significance (1 of 4 stars; one submission).

Submission:

Ambry Genetics
Classification: Uncertain significance. Last evaluated: 2025-03-27. Review status: criteria provided, single submitter. Criteria: Ambry Variant Classification Scheme 2023. Collection method: clinical testing. Allele origin: germline.
Comment: The p.M376I variant (also known as c.1128G>A), located in coding exon 1 of the TET2 gene, results from a G to A substitution at nucleotide position 1128. The methionine at codon 376 is replaced by isoleucine, an amino acid with highly similar properties. This amino acid position is conserved. In addition, this alteration is predicted to be tolerated by in silico analysis. Based on the available evidence, the clinical significance of this variant remains unclear.